The following is an entry in ClinVar:

NM_000492.4(CFTR):c.4304G>A (p.Ser1435Asn)

Genes: CFTR (CF transmembrane conductance regulator; plus strand), LOC111674477 (CFTR intron 23 enhancer; plus strand). Cytogenetic location: 7q31.2.
Variant type: single nucleotide variant.
Coding change: c.4304G>A on transcript NM_000492.4 (MANE Select); coding-DNA position 4304, G replaced by A.
Protein change: p.Ser1435Asn; replaces serine 1435 with asparagine.
Molecular consequence: missense variant.
Genome position (GRCh38, 1-based): chr7:117,666,969, G>A. VCF-style: chr7-117666969-G-A. GRCh37 (hg19) VCF-style: chr7-117307023-G-A.
Other names: short protein forms S1435N.
Identifiers: ClinVar variation 3021388 (VCV003021388.3), dbSNP rs2485185609, ClinGen allele CA368984698.
Genomic context (GRCh38, chr7:117,666,969, plus strand): 5'-TCATAGAAGAGAACAAAGTGCGGCAGTACGATTCCATCCAGAAACTGCTGAACGAGAGGA[G>A]CCTCTTCCGGCAAGCCATCAGCCCCTCCGACAGGGTGAAGCTCTTTCCCCACCGGAACTC-3'
Protein context (NP_000483.3, residues 1425-1445): DSIQKLLNER[Ser1435Asn]LFRQAISPSD

ClinVar aggregate classification (germline): Uncertain significance (1 of 4 stars; one submission).

Conditions:
Cystic fibrosis (CF). Also called: MUCOVISCIDOSIS. Identifiers: Orphanet 586, MedGen C0010674, MONDO:0009061, OMIM 219700. Disease mechanism: loss of function.

Submission:

Labcorp Genetics (formerly Invitae), Labcorp
Classification: Uncertain significance for Cystic fibrosis. Last evaluated: 2023-06-15. Review status: criteria provided, single submitter. Criteria: Invitae Variant Classification Sherloc (09022015). Collection method: clinical testing. Allele origin: germline.
Comment: In summary, the available evidence is currently insufficient to determine the role of this variant in disease. Therefore, it has been classified as a Variant of Uncertain Significance. Advanced modeling of protein sequence and biophysical properties (such as structural, functional, and spatial information, amino acid conservation, physicochemical variation, residue mobility, and thermodynamic stability) performed at Invitae indicates that this missense variant is not expected to disrupt CFTR protein function. This variant has not been reported in the literature in individuals affected with CFTR-related conditions. This variant is not present in population databases (gnomAD no frequency). This sequence change replaces serine, which is neutral and polar, with asparagine, which is neutral and polar, at codon 1435 of the CFTR protein (p.Ser1435Asn).